The following is an entry in ClinVar:

NM_133459.4(CCBE1):c.853A>G (p.Met285Val)

Gene: CCBE1 (collagen and calcium binding EGF domains 1; minus strand). Cytogenetic location: 18q21.32.
Variant type: single nucleotide variant.
Coding change: c.853A>G on transcript NM_133459.4 (MANE Select); coding-DNA position 853, A replaced by G.
Protein change: p.Met285Val; replaces methionine 285 with valine.
Molecular consequence: missense variant.
Genome position (GRCh38, 1-based): chr18:59,439,739, T>C on the plus strand (A>G on the coding strand, the complement: CCBE1 is on the minus strand). VCF-style: chr18-59439739-T-C. GRCh37 (hg19) VCF-style: chr18-57106971-T-C.
Other names: short protein forms M285V.
Identifiers: ClinVar variation 890301 (VCV000890301.29), dbSNP rs766239392, ClinGen allele CA8980313.

ClinVar aggregate classification (germline): Uncertain significance. Review status: criteria provided, multiple submitters, no conflicts (2 of 4 stars). 3 submissions from 3 submitters: Uncertain significance (3). Last evaluated 2024-06-17.

Conditions:
Hennekam lymphangiectasia-lymphedema syndrome 1 (HKLLS1). Also called: LYMPHATIC DYSPLASIA, GENERALIZED. Identifiers: Orphanet 2136, MedGen C4012050, MONDO:0009337, OMIM 235510.
Inborn genetic diseases. Identifiers: MedGen C0950123, MeSH D030342.

Allele frequency attached by ClinVar (database versions not stated): ExAC 0.00001; gnomAD exomes 0.00002; TOPMed 0.00002; gnomAD 0.00003 and 0.00004.
gnomAD v4.1: 29 of 1,614,090 alleles (0.0018%); highest among the groups gnomAD compares: East Asian, 0.0022%; no homozygotes.

Submissions (3):

Ambry Genetics
Classification: Uncertain significance for Inborn genetic diseases. Last evaluated: 2024-06-17. Review status: criteria provided, single submitter. Criteria: Ambry Variant Classification Scheme 2023. Collection method: clinical testing. Allele origin: germline.

CeGaT Center for Human Genetics Tuebingen
Classification: Uncertain significance. Last evaluated: 2022-08-01. Review status: criteria provided, single submitter. Criteria: CeGaT Center For Human Genetics Tuebingen Variant Classification Criteria Version 2. Collection method: clinical testing. Allele origin: germline. Affected: yes. Observed: 1 variant allele.
Comment: CCBE1: PM2

Illumina Laboratory Services, Illumina
Classification: Uncertain significance for Hennekam lymphangiectasia-lymphedema syndrome 1. Last evaluated: 2018-01-13. Review status: criteria provided, single submitter. Criteria: ICSL Variant Classification Criteria 13 December 2019. Collection method: clinical testing. Allele origin: germline.